The following is an entry in ClinVar:

NM_007294.4(BRCA1):c.5333-153A>G

Gene: BRCA1 (BRCA1 DNA repair associated; minus strand). Cytogenetic location: 17q21.31.
Variant type: single nucleotide variant.
Coding change: c.5333-153A>G on transcript NM_007294.4 (MANE Select); 153 bases into the intron before coding-DNA position 5333, A replaced by G.
Molecular consequence: intron variant.
Genome position (GRCh38, 1-based): chr17:43,049,347, T>C on the plus strand (A>G on the coding strand, the complement: BRCA1 is on the minus strand). VCF-style: chr17-43049347-T-C. GRCh37 (hg19) VCF-style: chr17-41201364-T-C.
Other names: IVS 21-153A>G; c.5249-153A>G (NM_001407662.1, NM_001407660.1, NM_001407661.1 and 2 more transcripts); c.1943-153A>G (NM_001408412.1, NM_001408413.1, NM_001408416.1 and 2 more transcripts); c.5252-153A>G (NM_001407656.1, NM_001407657.1, NM_001407658.1); c.5255-153A>G (NM_001407654.1, NM_001407652.1, NM_001407653.1 and 1 more transcripts); c.1682-153A>G (NM_001408509.1); c.1685-153A>G (NM_001408508.1); c.1811-153A>G (NM_001408491.1, NM_001408481.1, NM_001408490.1 and 5 more transcripts); and 85 more.
Identifiers: ClinVar variation 209248 (VCV000209248.6), dbSNP rs8176305, ClinGen allele CA276220.

ClinVar aggregate classification (germline): Benign. Review status: reviewed by expert panel (3 of 4 stars). 4 submissions from 4 submitters: Benign (1). 3 of the submissions do not count toward it. Last evaluated 2015-01-12.

Conditions:
Hereditary cancer-predisposing syndrome. Also called: Tumor predisposition; Hereditary Cancer Syndrome; Neoplastic Syndromes, Hereditary; Hereditary neoplastic syndrome. Identifiers: Orphanet 140162, MedGen C0027672, MeSH D009386, MONDO:0015356.
Breast-ovarian cancer, familial, susceptibility to, 1 (BROVCA1). Also called: BRCA1 Hereditary Breast and Ovarian Cancer; OVARIAN CANCER, SUSCEPTIBILITY TO. Identifiers: Orphanet 145, MedGen C2676676, MONDO:0011450, OMIM 604370. Disease mechanism: loss of function.

Allele frequency attached by ClinVar (database versions not stated): 1000 Genomes Project 30x 0.03248; TOPMed 0.05022; 1000 Genomes Project 0.03215; gnomAD 0.05444 and 0.05513.
gnomAD v4.1: 8,292 of 152,222 alleles (5.4%); highest among the groups gnomAD compares: Middle Eastern, 7.8%; 335 homozygotes.

Submissions (4):

Evidence-based Network for the Interpretation of Germline Mutant Alleles (ENIGMA)
Classification: Benign for Breast-ovarian cancer, familial 1. Last evaluated: 2015-01-12. Review status: reviewed by expert panel. Criteria: ENIGMA BRCA1/2 Classification Criteria (2015). Collection method: curation. Allele origin: germline.
Comment: Class 1 not pathogenic based on frequency >1% in an outbred sampleset. Frequency 0.08443 (European), derived from 1000 genomes (2012-04-30).

GeneDx
Classification: Benign. Last evaluated: 2018-06-24. Review status: criteria provided, single submitter. Criteria: GeneDx Variant Classification Process June 2021. Collection method: clinical testing. Allele origin: germline. Affected: yes. Not counted in ClinVar's aggregate classification.

Color Diagnostics, LLC DBA Color Health
Classification: Benign for Hereditary cancer-predisposing syndrome. Last evaluated: 2015-03-31. Review status: criteria provided, single submitter. Criteria: ACMG Guidelines, 2015. Collection method: clinical testing. Allele origin: germline. Not counted in ClinVar's aggregate classification.

Breakthrough Genomics
Classification: Benign. Review status: criteria provided, single submitter. Criteria: ACMG Guidelines, 2015. Collection method: not provided. Allele origin: germline. Inheritance: Autosomal recessive inheritance. Affected: yes. Not counted in ClinVar's aggregate classification.